The following is an entry in ClinVar:

ClinVar aggregate classification (germline): Uncertain significance (1 of 4 stars; one submission).

gnomAD v4.1: 1 of 1,614,096 alleles (0.000062%); highest among the groups gnomAD compares: Non-Finnish European, 0.000085%; no homozygotes.

Submission:

CeGaT Center for Human Genetics Tuebingen
Classification: Uncertain significance. Last evaluated: 2024-03-01. Review status: criteria provided, single submitter. Criteria: CeGaT Center For Human Genetics Tuebingen Variant Classification Criteria Version 2. Collection method: clinical testing. Allele origin: germline. Affected: yes. Observed: 1 variant allele.
Comment: MYH3: PM2:Supporting, BP4

NM_002470.4(MYH3):c.3321G>A (p.Lys1107=)

Gene: MYH3 (myosin heavy chain 3; minus strand). Cytogenetic location: 17p13.1.
Variant type: single nucleotide variant.
Coding change: c.3321G>A on transcript NM_002470.4 (MANE Select); coding-DNA position 3321, G replaced by A.
Protein change: p.Lys1107=; no amino-acid change (lysine 1107 retained).
Molecular consequence: synonymous variant.
Genome position (GRCh38, 1-based): chr17:10,638,891, C>T on the plus strand (G>A on the coding strand, the complement: MYH3 is on the minus strand). VCF-style: chr17-10638891-C-T. GRCh37 (hg19) VCF-style: chr17-10542208-C-T.
Identifiers: ClinVar variation 3067595 (VCV003067595.21), dbSNP rs1359087901, ClinGen allele CA497978423.